The following is an entry in ClinVar:

NM_023037.3(FRY):c.2349G>A (p.Pro783=)

Gene: FRY (FRY microtubule binding protein; plus strand). Cytogenetic location: 13q13.1.
Variant type: single nucleotide variant.
Coding change: c.2349G>A on transcript NM_023037.3 (MANE Select); coding-DNA position 2349, G replaced by A.
Protein change: p.Pro783=; no amino-acid change (proline 783 retained).
Molecular consequence: synonymous variant.
Genome position (GRCh38, 1-based): chr13:32,175,560, G>A. VCF-style: chr13-32175560-G-A. GRCh37 (hg19) VCF-style: chr13-32749697-G-A.
Other names: c.2349G>A, p.Pro783= (NM_001411012.1).
Identifiers: ClinVar variation 2643722 (VCV002643722.24), dbSNP rs773034236, ClinGen allele CA6938345.

ClinVar aggregate classification (germline): Likely benign (1 of 4 stars; one submission).

Allele frequency attached by ClinVar (database versions not stated): TOPMed below 0.00001; ExAC 0.00001; gnomAD 0.00001.
gnomAD v4.1: 15 of 1,609,832 alleles (0.00093%); highest among the groups gnomAD compares: Middle Eastern, 0.016%; no homozygotes.

Submission:

CeGaT Center for Human Genetics Tuebingen
Classification: Likely benign. Last evaluated: 2023-02-01. Review status: criteria provided, single submitter. Criteria: CeGaT Center For Human Genetics Tuebingen Variant Classification Criteria Version 2. Collection method: clinical testing. Allele origin: germline. Affected: yes. Observed: 1 variant allele.
Comment: FRY: BP4, BP7